The following is an entry in ClinVar:

ClinVar aggregate classification (germline): Uncertain significance. Review status: criteria provided, multiple submitters, no conflicts (2 of 4 stars). 3 submissions from 3 submitters: Uncertain significance (2). 1 of the submissions does not count toward it. Last evaluated 2024-08-19.

Conditions:
Nemaline myopathy 2 (NEM2). Also called: Nemaline myopathy 2, autosomal recessive. Identifiers: MedGen C1850569, MONDO:0009725, OMIM 256030.

Allele frequency attached by ClinVar (database versions not stated): TOPMed 0.00001; ExAC 0.00001; gnomAD 0.00001.

Submissions (3):

Revvity Omics, Revvity
Classification: Uncertain significance. Last evaluated: 2024-08-19. Review status: criteria provided, single submitter. Criteria: ACMG Guidelines, 2015. Collection method: clinical testing. Allele origin: germline.

Labcorp Genetics (formerly Invitae), Labcorp
Classification: Uncertain significance for Nemaline myopathy 2. Last evaluated: 2021-08-30. Review status: criteria provided, single submitter. Criteria: Invitae Variant Classification Sherloc (09022015). Collection method: clinical testing. Allele origin: germline.
Comment: This sequence change replaces lysine with arginine at codon 3142 of the NEB protein (p.Lys3142Arg). The lysine residue is weakly conserved and there is a small physicochemical difference between lysine and arginine. This variant is present in population databases (rs771774138, ExAC 0.006%). This variant has not been reported in the literature in individuals affected with NEB-related conditions. Algorithms developed to predict the effect of missense changes on protein structure and function are either unavailable or do not agree on the potential impact of this missense change (SIFT: "Deleterious"; PolyPhen-2: "Not Available"; Align-GVGD: "Class C0"). Algorithms developed to predict the effect of sequence changes on RNA splicing suggest that this variant may create or strengthen a splice site. In summary, the available evidence is currently insufficient to determine the role of this variant in disease. Therefore, it has been classified as a Variant of Uncertain Significance.

Natera, Inc.
Classification: Uncertain significance for Nemaline myopathy type 2. Last evaluated: 2021-01-05. Review status: no assertion criteria provided. Collection method: clinical testing. Allele origin: germline. Not counted in ClinVar's aggregate classification.

NM_001164508.2(NEB):c.9425A>G (p.Lys3142Arg)

Gene: NEB (nebulin; minus strand). Cytogenetic location: 2q23.3.
Variant type: single nucleotide variant.
Coding change: c.9425A>G on transcript NM_001164508.2 (MANE Select); coding-DNA position 9425, A replaced by G.
Protein change: p.Lys3142Arg; replaces lysine 3142 with arginine.
Molecular consequence: missense variant. On other transcripts: intron variant (1).
Genome position (GRCh38, 1-based): chr2:151,631,336, T>C on the plus strand (A>G on the coding strand, the complement: NEB is on the minus strand). VCF-style: chr2-151631336-T-C. GRCh37 (hg19) VCF-style: chr2-152487850-T-C.
Other names: c.9425A>G, p.Lys3142Arg (NM_001164507.2, NM_001271208.2); c.8854-158A>G (NM_004543.5); short protein forms K3142R.
Identifiers: ClinVar variation 579692 (VCV000579692.11), dbSNP rs771774138, ClinGen allele CA1909322.
Genomic context (GRCh38, chr2:151,631,336, plus strand): 5'-ACCACATCCATAGACCCAATGGGGACCCAGCCAATGCCTCTCAGCCACTGGAGATCTGAC[T>C]TGTAAATATTCTGAGCAGAGGAAAAAAGTCAAAAACTCTTCATCAAGACCACAATATTTA-3'
Protein context (NP_001157980.2, residues 3132-3152): AYDLQSDNIY[Lys3142Arg]SDLQWLRGIG